The following is an entry in ClinVar:

ClinVar aggregate classification (germline): Uncertain significance (1 of 4 stars; one submission).

Conditions:
Noonan syndrome 9 (NS9). Identifiers: Orphanet 648, MedGen C4225282, MONDO:0014691, OMIM 616559.

Submission:

Labcorp Genetics (formerly Invitae), Labcorp
Classification: Uncertain significance for Noonan syndrome 9. Last evaluated: 2025-06-16. Review status: criteria provided, single submitter. Criteria: Invitae Variant Classification Sherloc (09022015). Collection method: clinical testing. Allele origin: germline.
Comment: This sequence change replaces threonine, which is neutral and polar, with isoleucine, which is neutral and non-polar, at codon 1265 of the SOS2 protein (p.Thr1265Ile). This variant is not present in population databases (gnomAD no frequency). This variant has not been reported in the literature in individuals affected with SOS2-related conditions. ClinVar contains an entry for this variant (Variation ID: 1349967). Invitae Evidence Modeling of protein sequence and biophysical properties (such as structural, functional, and spatial information, amino acid conservation, physicochemical variation, residue mobility, and thermodynamic stability) indicates that this missense variant is not expected to disrupt SOS2 protein function with a negative predictive value of 95%. In summary, the available evidence is currently insufficient to determine the role of this variant in disease. Therefore, it has been classified as a Variant of Uncertain Significance.

NM_006939.4(SOS2):c.3794C>T (p.Thr1265Ile)

Gene: SOS2 (SOS Ras/Rho guanine nucleotide exchange factor 2; minus strand). Cytogenetic location: 14q21.3.
Variant type: single nucleotide variant.
Coding change: c.3794C>T on transcript NM_006939.4 (MANE Select); coding-DNA position 3794, C replaced by T.
Protein change: p.Thr1265Ile; replaces threonine 1265 with isoleucine.
Molecular consequence: missense variant.
Genome position (GRCh38, 1-based): chr14:50,118,549, G>A on the plus strand (C>T on the coding strand, the complement: SOS2 is on the minus strand). VCF-style: chr14-50118549-G-A. GRCh37 (hg19) VCF-style: chr14-50585267-G-A.
Other names: short protein forms T1265I.
Identifiers: ClinVar variation 1349967 (VCV001349967.6), dbSNP rs2139464050, ClinGen allele CA389637725.